The following is an entry in ClinVar:

ClinVar aggregate classification (germline): Likely benign. Review status: criteria provided, multiple submitters, no conflicts (2 of 4 stars). 4 submissions from 4 submitters: Likely benign (3). 1 of the submissions does not count toward it. Last evaluated 2025-12-06.

Conditions:
Cardiovascular phenotype. Identifiers: MedGen CN230736.
TNXB-related disorder. Also called: TNXB-related condition.

Allele frequency attached by ClinVar (database versions not stated): ESP Exome Variant Server 0.00013.
gnomAD v4.1: 58 of 1,613,590 alleles (0.0036%); highest among the groups gnomAD compares: Non-Finnish European, 0.0044%; no homozygotes.

Submissions (4):

Mayo Clinic Laboratories, Mayo Clinic
Classification: Likely benign. Last evaluated: 2025-12-06. Review status: criteria provided, single submitter. Criteria: ACMG Guidelines, 2015. Collection method: clinical testing. Allele origin: germline. Observed: 2 variant alleles.
Comment: BP4, BP7

Ambry Genetics
Classification: Likely benign for Cardiovascular phenotype. Last evaluated: 2021-09-21. Review status: criteria provided, single submitter. Criteria: Ambry Variant Classification Scheme 2023. Collection method: clinical testing. Allele origin: germline.

GeneDx
Classification: Likely benign. Last evaluated: 2021-01-05. Review status: criteria provided, single submitter. Criteria: GeneDx Variant Classification Process June 2021. Collection method: clinical testing. Allele origin: germline. Affected: yes.

PreventionGenetics, part of Exact Sciences
Classification: Likely benign for TNXB-related condition. Last evaluated: 2019-06-28. Review status: no assertion criteria provided. Collection method: clinical testing. Allele origin: germline. Not counted in ClinVar's aggregate classification.
Comment: This variant is classified as likely benign based on ACMG/AMP sequence variant interpretation guidelines (Richards et al. 2015 PMID: 25741868, with internal and published modifications).

NM_001365276.2(TNXB):c.9219C>A (p.Pro3073=)

Gene: TNXB (tenascin XB; minus strand). Cytogenetic location: 6p21.33.
Variant type: single nucleotide variant.
Coding change: c.9219C>A on transcript NM_001365276.2 (MANE Select); coding-DNA position 9219, C replaced by A.
Protein change: p.Pro3073=; no amino-acid change (proline 3073 retained).
Molecular consequence: synonymous variant.
Genome position (GRCh38, 1-based): chr6:32,050,218, G>T on the plus strand (C>A on the coding strand, the complement: TNXB is on the minus strand). VCF-style: chr6-32050218-G-T. GRCh37 (hg19) VCF-style: chr6-32017995-G-T.
Other names: p.Pro3071=; c.9213C>A, p.Pro3071= (NM_019105.8).
Identifiers: ClinVar variation 1223140 (VCV001223140.8), dbSNP rs367937124, ClinGen allele CA3733595.